The following is an entry in ClinVar:

ClinVar aggregate classification (germline): Uncertain significance (1 of 4 stars; one submission).

gnomAD v4.1: 1 of 1,569,232 alleles (0.000064%); highest among the groups gnomAD compares: Non-Finnish European, 0.000086%; no homozygotes.

Submission:

Labcorp Genetics (formerly Invitae), Labcorp
Classification: Uncertain significance. Last evaluated: 2024-12-23. Review status: criteria provided, single submitter. Criteria: Invitae Variant Classification Sherloc (09022015). Collection method: clinical testing. Allele origin: germline.
Comment: This sequence change replaces valine, which is neutral and non-polar, with alanine, which is neutral and non-polar, at codon 931 of the ZNF687 protein (p.Val931Ala). This variant is not present in population databases (gnomAD no frequency). This variant has not been reported in the literature in individuals affected with ZNF687-related conditions. An algorithm developed to predict the effect of missense changes on protein structure and function (PolyPhen-2) suggests that this variant is likely to be tolerated. In summary, the available evidence is currently insufficient to determine the role of this variant in disease. Therefore, it has been classified as a Variant of Uncertain Significance.

NM_020832.3(ZNF687):c.2792T>C (p.Val931Ala)

Gene: ZNF687 (zinc finger protein 687; plus strand). Cytogenetic location: 1q21.3.
Variant type: single nucleotide variant.
Coding change: c.2792T>C on transcript NM_020832.3 (MANE Select); coding-DNA position 2792, T replaced by C.
Protein change: p.Val931Ala; replaces valine 931 with alanine.
Molecular consequence: missense variant.
Genome position (GRCh38, 1-based): chr1:151,289,835, T>C. VCF-style: chr1-151289835-T-C. GRCh37 (hg19) VCF-style: chr1-151262311-T-C.
Other names: c.2792T>C, p.Val931Ala (NM_001304763.2, NM_001304764.2); short protein forms V931A.
Identifiers: ClinVar variation 3612967 (VCV003612967.2).
Genomic context (GRCh38, chr1:151,289,835, plus strand): 5'-CTCAGGGAGGGGCAGCCCCTGCTACTGAGGAGTCGTCTTCATCTTCAGAAGAGGAGGAAG[T>C]ACCCAGCTCCCCTGAGCCCCCCCGTCCAGCCAAACGGCCTCGGCGGGAACTAGGGAGCAA-3'
Protein context (NP_065883.1, residues 921-941): ESSSSSEEEE[Val931Ala]PSSPEPPRPA